The following is an entry in ClinVar:

ClinVar aggregate classification (germline): Pathogenic (1 of 4 stars; one submission).

Conditions:
TUBB3-related tubulinopathy. Identifiers: MedGen CN322634, MONDO:0100154.

Submission:

Laboratory of Medical Genetics Unit, Bambino Gesù Children's Hospital
Classification: Pathogenic for TUBB3-related tubulinopathy. Review status: criteria provided, single submitter. Criteria: ACMG Guidelines, 2015. Collection method: clinical testing. Allele origin: de novo. Inheritance: Autosomal dominant inheritance. Affected: yes.
Comment: The NM_178014.4 c.628dup, p.(Ile210AsnfsTer40) is a frameshift variant in TUBB predicted to result in a premature stop codon at position 249, likely leading to an absent or disrupted protein product through nonsense-mediated mRNA decay (PVS1). Functional studies demonstrated that the p.Ile210AsnfsTer40 mutation disrupts TUBB interaction with α-tubulin and the KIF1A motor protein and impairs TUBB intracellular localization, providing functional evidence of a damaging effect on the protein (PS3). This variant is absent from the gnomAD population database (v4), supporting its pathogenicity (PM2_Supporting). In summary, this variant meets criteria to be classified as Pathogenic for TUBB-related disorder based on the ACMG/AMP 2015 criteria: PVS1, PS2, PS3, PM2_Supporting.

NM_178014.4(TUBB):c.628dup (p.Ile210fs)

Gene: TUBB (tubulin beta class I; plus strand). Cytogenetic location: 6p21.33.
Variant type: Duplication.
Coding change: c.628dup on transcript NM_178014.4 (MANE Select); coding-DNA position 628, one base duplicated (A; older notation c.628dupA).
Protein change: p.Ile210fs; shifts the reading frame from isoleucine 210.
Molecular consequence: frameshift variant. On other transcripts: intron variant (1).
Genome position (GRCh38, 1-based): chr6:30,723,690, A duplicated. VCF-style (leftmost placement, unchanged base first): chr6-30723689-T-TA. GRCh37 (hg19) VCF-style: chr6-30691466-T-TA.
Other names: c.688dup, p.Ile230fs (NM_001293212.2); c.496dup, p.Ile166fs (NM_001293214.2); c.412dup, p.Ile138fs (NM_001293215.2, NM_001293216.2); c.369+259dup (NM_001293213.2); short protein forms I138fs, I166fs, I210fs, I230fs.
Identifiers: ClinVar variation 4853816 (VCV004853816.1).